The following is an entry in ClinVar:

NM_019842.4(KCNQ5):c.1171G>A (p.Ala391Thr)

Gene: KCNQ5 (potassium voltage-gated channel subfamily Q member 5; plus strand). Cytogenetic location: 6q13.
Variant type: single nucleotide variant.
Coding change: c.1171G>A on transcript NM_019842.4 (MANE Select); coding-DNA position 1171, G replaced by A.
Protein change: p.Ala391Thr; replaces alanine 391 with threonine.
Molecular consequence: missense variant.
Genome position (GRCh38, 1-based): chr6:73,120,528, G>A. VCF-style: chr6-73120528-G-A. GRCh37 (hg19) VCF-style: chr6-73830251-G-A.
Other names: c.1171G>A, p.Ala391Thr (NM_001160130.2, NM_001160132.2, NM_001160133.2 and 1 more transcripts); short protein forms A391T.
Identifiers: ClinVar variation 2708369 (VCV002708369.3), dbSNP rs2533716200, ClinGen allele CA364827131.
Genomic context (GRCh38, chr6:73,120,528, plus strand): 5'-CTATGCCACATGCAGTGTGTTTGGCGTAGTTACGCAGCTGATGAGAAATCTGTTTCCATT[G>A]CAACCTGGAAGCCACACTTGAAGGCCTTGCACACCTGCAGCCCTACCAAGTAGGTATCAG-3'
Protein context (NP_062816.2, residues 381-401): YAADEKSVSI[Ala391Thr]TWKPHLKALH

ClinVar aggregate classification (germline): Uncertain significance (1 of 4 stars; one submission).

Submission:

Labcorp Genetics (formerly Invitae), Labcorp
Classification: Uncertain significance. Last evaluated: 2024-01-08. Review status: criteria provided, single submitter. Criteria: Invitae Variant Classification Sherloc (09022015). Collection method: clinical testing. Allele origin: germline.
Comment: This sequence change replaces alanine, which is neutral and non-polar, with threonine, which is neutral and polar, at codon 391 of the KCNQ5 protein (p.Ala391Thr). This variant is not present in population databases (gnomAD no frequency). This variant has not been reported in the literature in individuals affected with KCNQ5-related conditions. Advanced modeling of protein sequence and biophysical properties (such as structural, functional, and spatial information, amino acid conservation, physicochemical variation, residue mobility, and thermodynamic stability) performed at Invitae indicates that this missense variant is not expected to disrupt KCNQ5 protein function with a negative predictive value of 80%. In summary, the available evidence is currently insufficient to determine the role of this variant in disease. Therefore, it has been classified as a Variant of Uncertain Significance.